The following is an entry in ClinVar:

ClinVar aggregate classification (germline): Uncertain significance (1 of 4 stars; one submission).

gnomAD v4.1: 4 of 1,612,634 alleles (0.00025%); highest among the groups gnomAD compares: Non-Finnish European, 0.00034%; no homozygotes.

Submission:

Labcorp Genetics (formerly Invitae), Labcorp
Classification: Uncertain significance. Last evaluated: 2024-12-10. Review status: criteria provided, single submitter. Criteria: Invitae Variant Classification Sherloc (09022015). Collection method: clinical testing. Allele origin: germline.
Comment: This sequence change replaces proline, which is neutral and non-polar, with leucine, which is neutral and non-polar, at codon 617 of the EMC1 protein (p.Pro617Leu). This variant is present in population databases (rs565316334, gnomAD 0.0009%). This variant has not been reported in the literature in individuals affected with EMC1-related conditions. ClinVar contains an entry for this variant (Variation ID: 2727653). Invitae Evidence Modeling of protein sequence and biophysical properties (such as structural, functional, and spatial information, amino acid conservation, physicochemical variation, residue mobility, and thermodynamic stability) indicates that this missense variant is not expected to disrupt EMC1 protein function with a negative predictive value of 80%. In summary, the available evidence is currently insufficient to determine the role of this variant in disease. Therefore, it has been classified as a Variant of Uncertain Significance.

NM_015047.3(EMC1):c.1850C>T (p.Pro617Leu)

Genes: EMC1 (ER membrane protein complex subunit 1; minus strand), EMC1-AS1 (EMC1 antisense RNA 1; plus strand). Cytogenetic location: 1p36.13.
Variant type: single nucleotide variant.
Coding change: c.1850C>T on transcript NM_015047.3 (MANE Select); coding-DNA position 1850, C replaced by T.
Protein change: p.Pro617Leu; replaces proline 617 with leucine.
Molecular consequence: missense variant.
Genome position (GRCh38, 1-based): chr1:19,231,355, G>A on the plus strand (C>T on the coding strand, the complement: EMC1 is on the minus strand). VCF-style: chr1-19231355-G-A. GRCh37 (hg19) VCF-style: chr1-19557849-G-A.
Other names: c.1847C>T, p.Pro616Leu (NM_001271427.2, NM_001271428.2); c.1784C>T, p.Pro595Leu (NM_001271429.2); c.1859C>T, p.Pro620Leu (NM_001375820.1); c.1856C>T, p.Pro619Leu (NM_001375821.1); short protein forms P616L, P595L, P620L, P617L, P619L.
Identifiers: ClinVar variation 2727653 (VCV002727653.3), dbSNP rs565316334, ClinGen allele CA652483.